The following is an entry in ClinVar:

ClinVar aggregate classification (germline): Uncertain significance. Review status: criteria provided, multiple submitters, no conflicts (2 of 4 stars). 2 submissions from 2 submitters: Uncertain significance (2). Last evaluated 2024-04-01.

Conditions:
Hereditary cancer-predisposing syndrome. Also called: Tumor predisposition; Hereditary neoplastic syndrome; Hereditary Cancer Syndrome; Neoplastic Syndromes, Hereditary. Identifiers: Orphanet 140162, MedGen C0027672, MeSH D009386, MONDO:0015356.
Parathyroid carcinoma (PRTC). Also called: Parathyroid gland carcinoma; CDC73-Related Parathyroid Carcinoma. Identifiers: Orphanet 143, MedGen C0687150, MONDO:0012004, OMIM 608266, HP:0006780.

Submissions (2):

Ambry Genetics
Classification: Uncertain significance for Hereditary cancer-predisposing syndrome. Last evaluated: 2024-04-01. Review status: criteria provided, single submitter. Criteria: Ambry Variant Classification Scheme 2023. Collection method: clinical testing. Allele origin: germline.
Comment: The p.M374V variant (also known as c.1120A>G), located in coding exon 13 of the CDC73 gene, results from an A to G substitution at nucleotide position 1120. The methionine at codon 374 is replaced by valine, an amino acid with highly similar properties. This amino acid position is conserved. In addition, this alteration is predicted to be deleterious by in silico analysis. Based on the available evidence, the clinical significance of this alteration remains unclear.

Labcorp Genetics (formerly Invitae), Labcorp
Classification: Uncertain significance for Parathyroid carcinoma. Last evaluated: 2020-11-11. Review status: criteria provided, single submitter. Criteria: Invitae Variant Classification Sherloc (09022015). Collection method: clinical testing. Allele origin: germline.
Comment: This sequence change replaces methionine with valine at codon 374 of the CDC73 protein (p.Met374Val). The methionine residue is moderately conserved and there is a small physicochemical difference between methionine and valine. This variant is not present in population databases (ExAC no frequency). This variant has not been reported in the literature in individuals with CDC73-related conditions. Algorithms developed to predict the effect of missense changes on protein structure and function (SIFT, PolyPhen-2, Align-GVGD) all suggest that this variant is likely to be tolerated, but these predictions have not been confirmed by published functional studies and their clinical significance is uncertain. In summary, the available evidence is currently insufficient to determine the role of this variant in disease. Therefore, it has been classified as a Variant of Uncertain Significance.

NM_024529.5(CDC73):c.1120A>G (p.Met374Val)

Gene: CDC73 (cell division cycle 73; plus strand). Cytogenetic location: 1q31.2.
Variant type: single nucleotide variant.
Coding change: c.1120A>G on transcript NM_024529.5 (MANE Select); coding-DNA position 1120, A replaced by G.
Protein change: p.Met374Val; replaces methionine 374 with valine.
Molecular consequence: missense variant.
Genome position (GRCh38, 1-based): chr1:193,212,443, A>G. VCF-style: chr1-193212443-A-G. GRCh37 (hg19) VCF-style: chr1-193181573-A-G.
Other names: c.1120A>G (NM_024529.4); short protein forms M374V.
Identifiers: ClinVar variation 1461786 (VCV001461786.9), dbSNP rs2102038567, ClinGen allele CA344077617.
Genomic context (GRCh38, chr1:193,212,443, plus strand): 5'-TTTATAGGATCTCGAACACCCATTATCATAATTCCTGCAGCTACCACCTCTTTAATAACC[A>G]TGCTTAATGCAAAAGACCTTCTACAGGACCTGAAGTAAGTAATTTATTAAACTATCCTGT-3'
Protein context (NP_078805.3, residues 364-384): IPAATTSLIT[Met374Val]LNAKDLLQDL